The following is an entry in ClinVar:

ClinVar aggregate classification (germline): Uncertain significance (1 of 4 stars; one submission).

Allele frequency attached by ClinVar (database versions not stated): gnomAD exomes below 0.00001; gnomAD 0.00001; TOPMed 0.00001.
gnomAD v4.1: 10 of 1,613,938 alleles (0.00062%); highest among the groups gnomAD compares: Admixed American, 0.0017%; no homozygotes.

Submission:

Labcorp Genetics (formerly Invitae), Labcorp
Classification: Uncertain significance. Last evaluated: 2026-01-14. Review status: criteria provided, single submitter. Criteria: Invitae Variant Classification Sherloc (09022015). Collection method: clinical testing. Allele origin: germline.
Comment: This sequence change creates a premature translational stop signal (p.Gln1159*) in the A2ML1 gene. It is expected to result in an absent or disrupted protein product. However, the current clinical and genetic evidence is not sufficient to establish whether loss-of-function variants in A2ML1 cause disease. This variant is present in population databases (rs199604768, gnomAD 0.01%). This variant has not been reported in the literature in individuals affected with A2ML1-related conditions. ClinVar contains an entry for this variant (Variation ID: 1415477). In summary, the available evidence is currently insufficient to determine the role of this variant in disease. Therefore, it has been classified as a Variant of Uncertain Significance.

NM_144670.6(A2ML1):c.3475C>T (p.Gln1159Ter)

Gene: A2ML1 (alpha-2-macroglobulin like 1; plus strand). Cytogenetic location: 12p13.31.
Variant type: single nucleotide variant.
Coding change: c.3475C>T on transcript NM_144670.6 (MANE Select); coding-DNA position 3475, C replaced by T.
Protein change: p.Gln1159Ter; replaces glutamine 1159 with a stop codon.
Molecular consequence: nonsense.
Genome position (GRCh38, 1-based): chr12:8,861,270, C>T. VCF-style: chr12-8861270-C-T. GRCh37 (hg19) VCF-style: chr12-9013866-C-T.
Other names: c.2002C>T, p.Gln668Ter (NM_001282424.3); short protein forms Q1159*, Q668*.
Identifiers: ClinVar variation 1415477 (VCV001415477.6), dbSNP rs199604768, ClinGen allele CA232698961.